The following is an entry in ClinVar:

NM_006231.4(POLE):c.2921A>C (p.Lys974Thr)

Gene: POLE (DNA polymerase epsilon, catalytic subunit; minus strand). Cytogenetic location: 12q24.33.
Variant type: single nucleotide variant.
Coding change: c.2921A>C on transcript NM_006231.4 (MANE Select); coding-DNA position 2921, A replaced by C.
Protein change: p.Lys974Thr; replaces lysine 974 with threonine.
Molecular consequence: missense variant.
Genome position (GRCh38, 1-based): chr12:132,661,108, T>G on the plus strand (A>C on the coding strand, the complement: POLE is on the minus strand). VCF-style: chr12-132661108-T-G. GRCh37 (hg19) VCF-style: chr12-133237694-T-G.
Other names: short protein forms K974T.
Identifiers: ClinVar variation 1797715 (VCV001797715.2), dbSNP rs201333356, ClinGen allele CA387392691.

ClinVar aggregate classification (germline): Uncertain significance (1 of 4 stars; one submission).

Conditions:
Hereditary cancer-predisposing syndrome. Also called: Neoplastic Syndromes, Hereditary; Tumor predisposition; Hereditary Cancer Syndrome; Hereditary neoplastic syndrome. Identifiers: Orphanet 140162, MedGen C0027672, MeSH D009386, MONDO:0015356.

Submission:

Ambry Genetics
Classification: Uncertain significance for Hereditary cancer-predisposing syndrome. Last evaluated: 2021-12-11. Review status: criteria provided, single submitter. Criteria: Ambry Variant Classification Scheme 2023. Collection method: clinical testing. Allele origin: germline.
Comment: The p.K974T variant (also known as c.2921A>C), located in coding exon 25 of the POLE gene, results from an A to C substitution at nucleotide position 2921. The lysine at codon 974 is replaced by threonine, an amino acid with similar properties. This amino acid position is conserved. In addition, the in silico prediction for this alteration is inconclusive. Since supporting evidence is limited at this time, the clinical significance of this alteration remains unclear.